The following is an entry in ClinVar:

NM_000097.7(CPOX):c.488_509delinsAGCTGCTGATTCTGG (p.Val163fs)

Gene: CPOX (coproporphyrinogen oxidase; minus strand). Cytogenetic location: 3q11.2.
Variant type: Indel.
Coding change: c.488_509delinsAGCTGCTGATTCTGG on transcript NM_000097.7 (MANE Select); coding-DNA positions 488 to 509, TGTGCCAGGCTCTGGCACAGGT replaced by AGCTGCTGATTCTGG.
Protein change: p.Val163fs; shifts the reading frame from valine 163.
Molecular consequence: frameshift variant.
Genome position (GRCh38, 1-based): chr3:98,592,996-98,593,017, ACCTGTGCCAGAGCCTGGCACA replaced by CCAGAATCAGCAGCT on the plus strand (TGTGCCAGGCTCTGGCACAGGT replaced by AGCTGCTGATTCTGG on the coding strand, the reverse complement: CPOX is on the minus strand). GRCh37 (hg19): chr3:98,311,840-98,311,861.
Other names: short protein forms V163fs.
Identifiers: ClinVar variation 3068558 (VCV003068558.1), dbSNP rs2472120866, ClinGen allele CA2580611963.
Genomic context (GRCh38, chr3:98,592,996, plus strand): 5'-CCGGCCTCCTTACCTTCCTTCCTCTCCCACCGGTCCACAGAAAAGTTGGCGCCCCCGTCT[ACCTGTGCCAGAGCCTGGCACA>CCAGAATCAGCAGCT]CCTGGGCCTGGGTCTCCAGAATCAGCAGCTCCATCTTGGTCTTCATGTCGCCCGGCCTCC-3'

ClinVar aggregate classification (germline): Likely pathogenic (1 of 4 stars; one submission).

Conditions:
CPOX-related neurovisceral and phototoxic porphyria. Also called: CPOX-related hereditary coproporphyria. Identifiers: MedGen CN322458, MONDO:0800180.

Submission:

Molecular Genetics, Royal Melbourne Hospital
Classification: Likely pathogenic for CPOX-related neurovisceral and phototoxic porphyria. Last evaluated: 2023-08-01. Review status: criteria provided, single submitter. Criteria: ACMG Guidelines, 2015. Collection method: clinical testing. Allele origin: germline. Inheritance: Semidominant inheritance.
Comment: This complex sequence change in CPOX is a frameshift variant predicted to cause a premature stop codon, p.(Val163Glufs*41), in biologically relevant exon 2/7 leading to nonsense-mediated decay in a gene in which loss-of-function is an established disease mechanism (PMID: 7987309, 8990017, 9843038, 28600349). This variant is absent from the population database gnomAD v2.1 and v3.1. To our knowledge, this variant is novel and has not been previously reported in the relevant scientific literature or databases. Based on the classification scheme RMH Modified ACMG/AMP Guidelines v1.6.1, this variant is classified as LIKELY PATHOGENIC. Following criteria are met: PVS1, PM2_Supporting.

Literature cited by the submitters: PubMed 7987309; PubMed 8990017; PubMed 9843038; PubMed 28600349.